The following is an entry in ClinVar:

NM_001369.3(DNAH5):c.367C>T (p.Leu123Phe)

Gene: DNAH5 (dynein axonemal heavy chain 5; minus strand). Cytogenetic location: 5p15.2.
Variant type: single nucleotide variant.
Coding change: c.367C>T on transcript NM_001369.3 (MANE Select); coding-DNA position 367, C replaced by T.
Protein change: p.Leu123Phe; replaces leucine 123 with phenylalanine.
Molecular consequence: missense variant.
Genome position (GRCh38, 1-based): chr5:13,923,351, G>A on the plus strand (C>T on the coding strand, the complement: DNAH5 is on the minus strand). VCF-style: chr5-13923351-G-A. GRCh37 (hg19) VCF-style: chr5-13923460-G-A.
Other names: short protein forms L123F.
Identifiers: ClinVar variation 238972 (VCV000238972.48), dbSNP rs148017278, ClinGen allele CA3205201.

ClinVar aggregate classification (germline): Conflicting classifications of pathogenicity. Review status: criteria provided, conflicting classifications (1 of 4 stars). 5 submissions from 5 submitters: Uncertain significance (1); Benign (1); Likely benign (2). 1 of the submissions does not count toward it. Last evaluated 2026-01-19.

Conditions:
Primary ciliary dyskinesia. Also called: Ciliary dyskinesia. Identifiers: Orphanet 244, MedGen C0008780, MONDO:0016575, HP:0012265.
Primary ciliary dyskinesia 3. Identifiers: Orphanet 244, MedGen C1837618, MONDO:0012085, OMIM 608644.

Allele frequency attached by ClinVar (database versions not stated): ExAC 0.00026; gnomAD 0.00026 and 0.00024; TOPMed 0.00026; gnomAD exomes 0.00048 and 0.00023; ESP Exome Variant Server 0.00015.
gnomAD v4.1: 741 of 1,614,062 alleles (0.046%); highest among the groups gnomAD compares: Non-Finnish European, 0.059%; 1 homozygote.

Submissions (5):

Labcorp Genetics (formerly Invitae), Labcorp
Classification: Benign for Primary ciliary dyskinesia. Last evaluated: 2026-01-19. Review status: criteria provided, single submitter. Criteria: Invitae Variant Classification Sherloc (09022015). Collection method: clinical testing. Allele origin: germline.

Blueprint Genetics
Classification: Likely benign. Last evaluated: 2024-06-13. Review status: criteria provided, single submitter. Criteria: ACMG Guidelines, 2015. Collection method: clinical testing. Allele origin: germline.

CeGaT Center for Human Genetics Tuebingen
Classification: Likely benign. Last evaluated: 2023-06-01. Review status: criteria provided, single submitter. Criteria: CeGaT Center For Human Genetics Tuebingen Variant Classification Criteria Version 2. Collection method: clinical testing. Allele origin: germline. Affected: yes. Observed: 1 variant allele.
Comment: DNAH5: BP4

Illumina Laboratory Services, Illumina
Classification: Uncertain significance for Primary ciliary dyskinesia 3. Last evaluated: 2018-01-13. Review status: criteria provided, single submitter. Criteria: ICSL Variant Classification Criteria 13 December 2019. Collection method: clinical testing. Allele origin: germline.

Natera, Inc.
Classification: Uncertain significance for Primary ciliary dyskinesia. Last evaluated: 2020-01-07. Review status: no assertion criteria provided. Collection method: clinical testing. Allele origin: germline. Not counted in ClinVar's aggregate classification.